The following is an entry in ClinVar:

ClinVar aggregate classification (germline): Pathogenic (1 of 4 stars; one submission).

Conditions:
Marfan syndrome (MFS). Also called: MARFAN SYNDROME, TYPE I; Marfan syndrome type 1; Marfan's syndrome; Marfan syndrome, classic; FBN1-Related Marfan Syndrome. Identifiers: Orphanet 284963, Orphanet 558, MedGen C0024796, MONDO:0007947, OMIM 154700.

Submission:

Department of Clinical Genetics, Copenhagen University Hospital, Rigshospitalet
Classification: Pathogenic for Marfan syndrome. Last evaluated: 2024-04-02. Review status: criteria provided, single submitter. Criteria: ACMG Guidelines, 2015. Collection method: clinical testing. Allele origin: germline.
Comment: PVS1_VStr, PM2_M, PP3_Sup

NM_000138.5(FBN1):c.2548A>T (p.Lys850Ter)

Gene: FBN1 (fibrillin 1; minus strand). Cytogenetic location: 15q21.1.
Variant type: single nucleotide variant.
Coding change: c.2548A>T on transcript NM_000138.5 (MANE Select); coding-DNA position 2548, A replaced by T.
Protein change: p.Lys850Ter; replaces lysine 850 with a stop codon.
Molecular consequence: nonsense.
Genome position (GRCh38, 1-based): chr15:48,495,252, T>A on the plus strand (A>T on the coding strand, the complement: FBN1 is on the minus strand). VCF-style: chr15-48495252-T-A. GRCh37 (hg19) VCF-style: chr15-48787449-T-A.
Other names: c.2548A>T, p.Lys850Ter (NM_001406716.1); short protein forms K850*.
Identifiers: ClinVar variation 3899266 (VCV003899266.1).